The following is an entry in ClinVar:

NM_000651.6(CR1):c.5969A>G (p.Asn1990Ser)

Gene: CR1 (complement C3b/C4b receptor 1 (Knops blood group); plus strand). Cytogenetic location: 1q32.2.
Variant type: single nucleotide variant.
Coding change: c.5969A>G on transcript NM_000651.6 (MANE Select); coding-DNA position 5969, A replaced by G.
Protein change: p.Asn1990Ser; replaces asparagine 1990 with serine.
Molecular consequence: missense variant.
Genome position (GRCh38, 1-based): chr1:207,609,362, A>G. VCF-style: chr1-207609362-A-G. GRCh37 (hg19) VCF-style: chr1-207782707-A-G.
Other names: c.4619A>G, p.Asn1540Ser (NM_001381851.1, NM_000573.4); short protein forms N1540S, N1990S.
Identifiers: ClinVar variation 3056664 (VCV003056664.3), dbSNP rs17259045, ClinGen allele CA1370328.

ClinVar aggregate classification (germline): Likely benign. Review status: criteria provided, single submitter (1 of 4 stars). 2 submissions from 2 submitters: Likely benign (1). 1 of the submissions does not count toward it. Last evaluated 2024-11-26.

Conditions:
CR1-related disorder. Also called: CR1-related condition.

Allele frequency attached by ClinVar (database versions not stated): 1000 Genomes Project 30x 0.05700; 1000 Genomes Project 0.05711; TOPMed 0.07738; ESP Exome Variant Server 0.07819; gnomAD 0.07831; ExAC 0.08897; gnomAD exomes 0.10495.
gnomAD v4.1: 164,427 of 1,613,918 alleles (10%); highest among the groups gnomAD compares: Admixed American, 16%; 9,469 homozygotes.

Submissions (2):

Blueprint Genetics
Classification: Likely benign. Last evaluated: 2024-11-26. Review status: criteria provided, single submitter. Criteria: ACMG Guidelines, 2015. Collection method: clinical testing. Allele origin: germline.

PreventionGenetics, part of Exact Sciences
Classification: Benign for CR1-related condition. Last evaluated: 2019-10-21. Review status: no assertion criteria provided. Collection method: clinical testing. Allele origin: germline. Not counted in ClinVar's aggregate classification.
Comment: This variant is classified as benign based on ACMG/AMP sequence variant interpretation guidelines (Richards et al. 2015 PMID: 25741868, with internal and published modifications).